The following is an entry in ClinVar:

ClinVar aggregate classification (germline): Uncertain significance (1 of 4 stars; one submission).

Conditions:
SCAPER-related disorder. Also called: SCAPER-related condition.

gnomAD v4.1: 6 of 1,613,258 alleles (0.00037%); highest among the groups gnomAD compares: Non-Finnish European, 0.00051%; no homozygotes.

Submission:

PreventionGenetics, part of Exact Sciences
Classification: Uncertain significance for SCAPER-related condition. Last evaluated: 2026-03-24. Review status: criteria provided, single submitter. Criteria: ACMG Guidelines, 2015. Collection method: clinical testing. Allele origin: germline.
Comment: The SCAPER c.710C>T variant is predicted to result in the amino acid substitution p.Ser237Leu. To our knowledge, this variant has not been reported in the literature. This variant is reported in 0.0065% of alleles in individuals of European (Non-Finnish) descent in gnomAD. At this time, the clinical significance of this variant is uncertain due to the absence of conclusive functional and genetic evidence.

NM_020843.4(SCAPER):c.710C>T (p.Ser237Leu)

Gene: SCAPER (S-phase cyclin A associated protein in the ER; minus strand). Cytogenetic location: 15q24.3.
Variant type: single nucleotide variant.
Coding change: c.710C>T on transcript NM_020843.4 (MANE Select); coding-DNA position 710, C replaced by T.
Protein change: p.Ser237Leu; replaces serine 237 with leucine.
Molecular consequence: missense variant. On other transcripts: 5 prime UTR variant (1), non-coding transcript variant (1).
Genome position (GRCh38, 1-based): chr15:76,795,342, G>A on the plus strand (C>T on the coding strand, the complement: SCAPER is on the minus strand). VCF-style: chr15-76795342-G-A. GRCh37 (hg19) VCF-style: chr15-77087683-G-A.
Other names: c.-188C>T (NM_001145923.2); c.710C>T, p.Ser237Leu (NM_001353009.2); c.308C>T, p.Ser103Leu (NM_001353010.2, NM_001353011.2, NM_001353012.2); short protein forms S103L, S237L.
Identifiers: ClinVar variation 4987174 (VCV004987174.1).